The following is an entry in ClinVar:

NM_001378778.1(MPDZ):c.747G>A (p.Pro249=)

Gene: MPDZ (multiple PDZ domain crumbs cell polarity complex component; minus strand). Cytogenetic location: 9p23.
Variant type: single nucleotide variant.
Coding change: c.747G>A on transcript NM_001378778.1 (MANE Select); coding-DNA position 747, G replaced by A.
Protein change: p.Pro249=; no amino-acid change (proline 249 retained).
Molecular consequence: synonymous variant.
Genome position (GRCh38, 1-based): chr9:13,222,233, C>T on the plus strand (G>A on the coding strand, the complement: MPDZ is on the minus strand). VCF-style: chr9-13222233-C-T. GRCh37 (hg19) VCF-style: chr9-13222232-C-T.
Other names: c.747G>A, p.Pro249= (NM_001261406.2, NM_001261407.2, NM_001330637.2 and 14 more transcripts).
Identifiers: ClinVar variation 1942313 (VCV001942313.6), dbSNP rs773630591, ClinGen allele CA4988035.

ClinVar aggregate classification (germline): Uncertain significance (1 of 4 stars; one submission).

Allele frequency attached by ClinVar (database versions not stated): gnomAD exomes below 0.00001; ExAC 0.00001; gnomAD 0.00001.
gnomAD v4.1: 6 of 1,607,746 alleles (0.00037%); highest among the groups gnomAD compares: African/African-American, 0.0013%; no homozygotes.

Submissions (2):

Labcorp Genetics (formerly Invitae), Labcorp
Classification: Uncertain significance. Last evaluated: 2022-07-05. Review status: criteria provided, single submitter. Criteria: Invitae Variant Classification Sherloc (09022015). Collection method: clinical testing. Allele origin: germline.
Comment: In summary, the available evidence is currently insufficient to determine the role of this variant in disease. Therefore, it has been classified as a Variant of Uncertain Significance. Variants that disrupt the consensus splice site are a relatively common cause of aberrant splicing (PMID: 17576681, 9536098). Algorithms developed to predict the effect of sequence changes on RNA splicing suggest that this variant is not likely to affect RNA splicing. This variant has not been reported in the literature in individuals affected with MPDZ-related conditions. This variant is present in population databases (rs773630591, gnomAD 0.007%). This sequence change affects codon 249 of the MPDZ mRNA. It is a 'silent' change, meaning that it does not change the encoded amino acid sequence of the MPDZ protein. This variant also falls at the last nucleotide of exon 6, which is part of the consensus splice site for this exon.

Dr. Peter K. Rogan Lab, Western University
No classification provided (evidence only). Condition: Thymoma. Review status: no classification provided. Collection method: in vitro. Allele origin: not applicable. Functional consequence: skipped exon. Not counted in ClinVar's aggregate classification.

Literature cited by the submitters: PubMed 17576681 (cited by Labcorp Genetics (formerly Invitae), Labcorp); PubMed 9536098 (cited by Labcorp Genetics (formerly Invitae), Labcorp).